The following is an entry in ClinVar:

NM_001368397.1(FRMPD4):c.2839G>A (p.Ala947Thr)

Gene: FRMPD4 (FERM and PDZ domain containing 4; plus strand). Cytogenetic location: Xp22.2.
Variant type: single nucleotide variant.
Coding change: c.2839G>A on transcript NM_001368397.1 (MANE Select); coding-DNA position 2839, G replaced by A.
Protein change: p.Ala947Thr; replaces alanine 947 with threonine.
Molecular consequence: missense variant.
Genome position (GRCh38, 1-based): chrX:12,717,665, G>A. VCF-style: chrX-12717665-G-A. GRCh37 (hg19) VCF-style: chrX-12735784-G-A.
Other names: c.2950G>A, p.Ala984Thr (NM_001368395.3, NM_001368398.3); c.2845G>A, p.Ala949Thr (NM_001368396.3); c.2830G>A, p.Ala944Thr (NM_001368399.3); c.2719G>A, p.Ala907Thr (NM_001368400.3); c.2815G>A, p.Ala939Thr (NM_001368401.1, NM_001368402.3); c.2839G>A, p.Ala947Thr (NM_014728.3); short protein forms A907T, A939T, A944T, A947T, A949T, A984T.
Identifiers: ClinVar variation 1307333 (VCV001307333.2), dbSNP rs2147173473, ClinGen allele CA412315541.
Genomic context (GRCh38, chrX:12,717,665, plus strand): 5'-AAACAGTCAGAAAACCTCTCCCGCATGTTCTTGGCCACTCACGAAGGCTACCACCCCCTT[G>A]CAGAAGAGCAGACCGAGTTCCCGGCCTCCAAGACCCCCGCTGGGGGCTTGCCTCCAAAGT-3'
Protein context (NP_001355326.1, residues 937-957): LATHEGYHPL[Ala947Thr]EEQTEFPASK

ClinVar aggregate classification (germline): Uncertain significance (1 of 4 stars; one submission).

Submission:

GeneDx
Classification: Uncertain significance. Last evaluated: 2021-01-08. Review status: criteria provided, single submitter. Criteria: GeneDx Variant Classification Process June 2021. Collection method: clinical testing. Allele origin: germline. Affected: yes.
Comment: Not observed in large population cohorts (Lek et al., 2016); Has not been previously published as pathogenic or benign to our knowledge